The following is an entry in ClinVar:

ClinVar aggregate classification (germline): Uncertain significance. Review status: criteria provided, multiple submitters, no conflicts (2 of 4 stars). 3 submissions from 3 submitters: Uncertain significance (3). Last evaluated 2021-09-20.

Conditions:
Autosomal recessive limb-girdle muscular dystrophy type 2J (LGMDR10). Also called: MUSCULAR DYSTROPHY, LIMB-GIRDLE, AUTOSOMAL RECESSIVE 10; Limb-girdle muscular dystrophy, type 2J. Identifiers: Orphanet 140922, MedGen C1837342, MONDO:0012127, OMIM 608807.
Dilated cardiomyopathy 1G (CMD1G). Identifiers: Orphanet 154, MedGen C1858763, MONDO:0011400, OMIM 604145.
Myopathy, myofibrillar, 9, with early respiratory failure (MFM9). Also called: Myopathy, distal, with early respiratory failure, autosomal dominant; Hereditary myopathy with early respiratory failure; EDSTROM MYOPATHY; MYOPATHY, PROXIMAL, WITH EARLY RESPIRATORY MUSCLE INVOLVEMENT. Identifiers: Orphanet 178464, Orphanet 34521, MedGen C1863599, MONDO:0011362, OMIM 603689.
Tibial muscular dystrophy (TMD). Also called: UDD MYOPATHY; Tibial muscular dystrophy, tardive; Udd Distal Myopathy – Tibial Muscular Dystrophy. Identifiers: Orphanet 609, MedGen C1838244, MONDO:0010870, OMIM 600334.
Early-onset myopathy with fatal cardiomyopathy (CMYO5). Also called: Salih Myopathy; CONGENITAL MYOPATHY 5 WITH CARDIOMYOPATHY. Identifiers: Orphanet 289377, MedGen C2673677, MONDO:0012714, OMIM 611705. Disease mechanism: loss of function.
Hypertrophic cardiomyopathy 9. Also called: Familial hypertrophic cardiomyopathy 9. Identifiers: MedGen C1861065, MONDO:0013412, OMIM 613765.

Submissions (3):

Fulgent Genetics
Classification: Uncertain significance for Tibial muscular dystrophy; Myopathy, myofibrillar, 9, with early respiratory failure; Dilated cardiomyopathy 1G; Autosomal recessive limb-girdle muscular dystrophy type 2J; Early-onset myopathy with fatal cardiomyopathy; Hypertrophic cardiomyopathy 9. Last evaluated: 2021-09-20. Review status: criteria provided, single submitter. Criteria: ACMG Guidelines, 2015. Collection method: clinical testing. Allele origin: unknown.

GeneDx
Classification: Uncertain significance. Last evaluated: 2021-08-03. Review status: criteria provided, single submitter. Criteria: GeneDx Variant Classification Process June 2021. Collection method: clinical testing. Allele origin: germline. Affected: yes.
Comment: Not observed in large population cohorts (Lek et al., 2016); Missense variant in a gene in which most reported pathogenic variants are truncating/loss-of-function; Has not been previously published as pathogenic or benign to our knowledge

Labcorp Genetics (formerly Invitae), Labcorp
Classification: Uncertain significance for Dilated cardiomyopathy 1G; Autosomal recessive limb-girdle muscular dystrophy type 2J. Last evaluated: 2017-03-07. Review status: criteria provided, single submitter. Criteria: Invitae Variant Classification Sherloc (09022015). Collection method: clinical testing. Allele origin: germline.

NM_001267550.2(TTN):c.26189T>A (p.Ile8730Asn)

Gene: TTN (titin; minus strand). Cytogenetic location: 2q31.2.
Variant type: single nucleotide variant.
Coding change: c.26189T>A on transcript NM_001267550.2 (MANE Select); coding-DNA position 26189, T replaced by A.
Protein change: p.Ile8730Asn; replaces isoleucine 8730 with asparagine.
Molecular consequence: missense variant. On other transcripts: intron variant (3).
Genome position (GRCh38, 1-based): chr2:178,714,997, A>T on the plus strand (T>A on the coding strand, the complement: TTN is on the minus strand). VCF-style: chr2-178714997-A-T. GRCh37 (hg19) VCF-style: chr2-179579724-A-T.
Other names: c.25238T>A, p.Ile8413Asn (NM_001256850.1); c.22457T>A, p.Ile7486Asn (NM_133378.4); c.13282+23085T>A (NM_003319.4); c.13858+23085T>A (NM_133437.4); c.13657+23085T>A (NM_133432.3); short protein forms I8730N, I7486N, I8413N.
Identifiers: ClinVar variation 404907 (VCV000404907.6), dbSNP rs1060500488, ClinGen allele CA16610495.